The following is an entry in ClinVar:

ClinVar aggregate classification (germline): Uncertain significance (1 of 4 stars; one submission).

Conditions:
Luscan-Lumish syndrome. Identifiers: Orphanet 597738, MedGen C4085873, MONDO:0014791, OMIM 616831.

Submission:

Labcorp Genetics (formerly Invitae), Labcorp
Classification: Uncertain significance for Luscan-Lumish syndrome. Last evaluated: 2025-01-24. Review status: criteria provided, single submitter. Criteria: Invitae Variant Classification Sherloc (09022015). Collection method: clinical testing. Allele origin: germline.
Comment: This sequence change replaces glutamine, which is neutral and polar, with histidine, which is basic and polar, at codon 1344 of the SETD2 protein (p.Gln1344His). This variant is not present in population databases (gnomAD no frequency). This variant has not been reported in the literature in individuals affected with SETD2-related conditions. Invitae Evidence Modeling of protein sequence and biophysical properties (such as structural, functional, and spatial information, amino acid conservation, physicochemical variation, residue mobility, and thermodynamic stability) indicates that this missense variant is not expected to disrupt SETD2 protein function with a negative predictive value of 80%. In summary, the available evidence is currently insufficient to determine the role of this variant in disease. Therefore, it has been classified as a Variant of Uncertain Significance.

NM_014159.7(SETD2):c.4032G>T (p.Gln1344His)

Gene: SETD2 (SET domain containing 2, histone lysine methyltransferase; minus strand). Cytogenetic location: 3p21.31.
Variant type: single nucleotide variant.
Coding change: c.4032G>T on transcript NM_014159.7 (MANE Select); coding-DNA position 4032, G replaced by T.
Protein change: p.Gln1344His; replaces glutamine 1344 with histidine.
Molecular consequence: missense variant. On other transcripts: non-coding transcript variant (1).
Genome position (GRCh38, 1-based): chr3:47,120,604, C>A on the plus strand (G>T on the coding strand, the complement: SETD2 is on the minus strand). VCF-style: chr3-47120604-C-A. GRCh37 (hg19) VCF-style: chr3-47162094-C-A.
Other names: c.3900G>T, p.Gln1300His (NM_001349370.3); short protein forms Q1300H, Q1344H.
Identifiers: ClinVar variation 3709290 (VCV003709290.2).